The following is an entry in ClinVar:

ClinVar aggregate classification (germline): Uncertain significance. Review status: criteria provided, multiple submitters, no conflicts (2 of 4 stars). 2 submissions from 2 submitters: Uncertain significance (2). Last evaluated 2025-12-19.

Conditions:
POLD1-related polyposis and colorectal cancer syndrome (CRCS10). Also called: Colorectal cancer 10; COLORECTAL CANCER, SUSCEPTIBILITY TO, ON CHROMOSOME 19q; Colorectal cancer, susceptibility to, 10. Identifiers: Orphanet 220460, MedGen C2675481, MONDO:0012953, OMIM 612591.
Hereditary cancer-predisposing syndrome. Also called: Hereditary neoplastic syndrome; Tumor predisposition; Neoplastic Syndromes, Hereditary; Hereditary Cancer Syndrome. Identifiers: Orphanet 140162, MedGen C0027672, MeSH D009386, MONDO:0015356.

Allele frequency attached by ClinVar (database versions not stated): TOPMed below 0.00001.

Submissions (2):

Labcorp Genetics (formerly Invitae), Labcorp
Classification: Uncertain significance for POLD1-related polyposis and colorectal cancer syndrome. Last evaluated: 2025-12-19. Review status: criteria provided, single submitter. Criteria: Invitae Variant Classification Sherloc (09022015). Collection method: clinical testing. Allele origin: germline.
Comment: This sequence change replaces proline, which is neutral and non-polar, with serine, which is neutral and polar, at codon 1077 of the POLD1 protein (p.Pro1077Ser). This variant is not present in population databases (gnomAD no frequency). This variant has not been reported in the literature in individuals affected with POLD1-related conditions. ClinVar contains an entry for this variant (Variation ID: 947745). Invitae Evidence Modeling of protein sequence and biophysical properties (such as structural, functional, and spatial information, amino acid conservation, physicochemical variation, residue mobility, and thermodynamic stability) indicates that this missense variant is not expected to disrupt POLD1 protein function with a negative predictive value of 80%. In summary, the available evidence is currently insufficient to determine the role of this variant in disease. Therefore, it has been classified as a Variant of Uncertain Significance.

Ambry Genetics
Classification: Uncertain significance for Hereditary cancer-predisposing syndrome. Last evaluated: 2024-02-25. Review status: criteria provided, single submitter. Criteria: Ambry Variant Classification Scheme 2023. Collection method: clinical testing. Allele origin: germline.
Comment: The p.P1077S variant (also known as c.3229C>T), located in coding exon 26 of the POLD1 gene, results from a C to T substitution at nucleotide position 3229. The proline at codon 1077 is replaced by serine, an amino acid with similar properties. This amino acid position is conserved. In addition, this alteration is predicted to be tolerated by in silico analysis. Since supporting evidence is limited at this time, the clinical significance of this alteration remains unclear.

NM_002691.4(POLD1):c.3229C>T (p.Pro1077Ser)

Gene: POLD1 (DNA polymerase delta 1, catalytic subunit; plus strand). Cytogenetic location: 19q13.33.
Variant type: single nucleotide variant.
Coding change: c.3229C>T on transcript NM_002691.4 (MANE Select); coding-DNA position 3229, C replaced by T.
Protein change: p.Pro1077Ser; replaces proline 1077 with serine.
Molecular consequence: missense variant. On other transcripts: non-coding transcript variant (1).
Genome position (GRCh38, 1-based): chr19:50,417,852, C>T. VCF-style: chr19-50417852-C-T. GRCh37 (hg19) VCF-style: chr19-50921109-C-T.
Other names: c.3229C>T, p.Pro1077Ser (NM_001256849.1); c.3307C>T, p.Pro1103Ser (NM_001308632.1); short protein forms P1103S, P1077S.
Identifiers: ClinVar variation 947745 (VCV000947745.12), dbSNP rs1060501830, ClinGen allele CA406987695.